The following is an entry in ClinVar:

ClinVar aggregate classification (germline): Uncertain significance. Review status: criteria provided, multiple submitters, no conflicts (2 of 4 stars). 2 submissions from 2 submitters: Uncertain significance (2). Last evaluated 2026-01-21.

Conditions:
IKZF1-related disorder. Also called: IKZF1-related condition.

gnomAD v4.1: 6 of 1,588,226 alleles (0.00038%); highest among the groups gnomAD compares: Admixed American, 0.0036%; no homozygotes.

Submissions (2):

Labcorp Genetics (formerly Invitae), Labcorp
Classification: Uncertain significance. Last evaluated: 2026-01-21. Review status: criteria provided, single submitter. Criteria: Invitae Variant Classification Sherloc (09022015). Collection method: clinical testing. Allele origin: germline.
Comment: This sequence change replaces proline, which is neutral and non-polar, with leucine, which is neutral and non-polar, at codon 335 of the IKZF1 protein (p.Pro335Leu). The frequency data for this variant in the population databases is considered unreliable, as metrics indicate poor data quality at this position in the gnomAD database. This variant has not been reported in the literature in individuals affected with IKZF1-related conditions. ClinVar contains an entry for this variant (Variation ID: 3675618). An algorithm developed to predict the effect of missense changes on protein structure and function (PolyPhen-2) suggests that this variant is likely to be disruptive. In summary, the available evidence is currently insufficient to determine the role of this variant in disease. Therefore, it has been classified as a Variant of Uncertain Significance.

PreventionGenetics, part of Exact Sciences
Classification: Uncertain significance for IKZF1-related condition. Last evaluated: 2025-01-24. Review status: criteria provided, single submitter. Criteria: ACMG Guidelines, 2015. Collection method: clinical testing. Allele origin: germline.
Comment: The IKZF1 c.1004C>T variant is predicted to result in the amino acid substitution p.Pro335Leu. To our knowledge, this variant has not been reported in the literature. This variant is reported in 0.0067% of alleles in individuals of Latino descent in gnomAD. At this time, the clinical significance of this variant is uncertain due to the absence of conclusive functional and genetic evidence.

NM_006060.6(IKZF1):c.1004C>T (p.Pro335Leu)

Gene: IKZF1 (IKAROS family zinc finger 1; plus strand). Cytogenetic location: 7p12.2.
Variant type: single nucleotide variant.
Coding change: c.1004C>T on transcript NM_006060.6 (MANE Select); coding-DNA position 1004, C replaced by T.
Protein change: p.Pro335Leu; replaces proline 335 with leucine.
Molecular consequence: missense variant.
Genome position (GRCh38, 1-based): chr7:50,400,071, C>T. VCF-style: chr7-50400071-C-T. GRCh37 (hg19) VCF-style: chr7-50467769-C-T.
Other names: c.314C>T, p.Pro105Leu (NM_001291840.1); c.575C>T, p.Pro192Leu (NM_001291841.1, NM_001220771.2); c.545C>T, p.Pro182Leu (NM_001291842.1); c.449C>T, p.Pro150Leu (NM_001291843.1); c.419C>T, p.Pro140Leu (NM_001291844.1); c.1064C>T, p.Pro355Leu (NM_001410879.1); c.878C>T, p.Pro293Leu (NM_001220765.3, NM_001291837.2); c.713C>T, p.Pro238Leu (NM_001220767.2); and 4 more; short protein forms P182L, P238L, P293L, P355L, P105L, P196L, P206L, P335L.
Identifiers: ClinVar variation 3675618 (VCV003675618.3).